The following is an entry in ClinVar:

ClinVar aggregate classification (germline): Likely benign. Review status: criteria provided, multiple submitters, no conflicts (2 of 4 stars). 2 submissions from 2 submitters: Likely benign (2). Last evaluated 2026-06-24.

Conditions:
SORL1-related disorder. Also called: SORL1-related condition.

gnomAD v4.1: 101 of 1,612,124 alleles (0.0063%); highest among the groups gnomAD compares: South Asian, 0.03%; 1 homozygote.

Submissions (2):

PreventionGenetics, part of Exact Sciences
Classification: Likely benign for SORL1-related condition. Last evaluated: 2026-06-24. Review status: criteria provided, single submitter. Criteria: ACMG Guidelines, 2015. Collection method: clinical testing. Allele origin: germline.
Comment: This variant is classified as likely benign based on ACMG/AMP sequence variant interpretation guidelines (Richards et al. 2015 PMID: 25741868, with internal and published modifications).

Labcorp Genetics (formerly Invitae), Labcorp
Classification: Likely benign. Last evaluated: 2024-09-04. Review status: criteria provided, single submitter. Criteria: Invitae Variant Classification Sherloc (09022015). Collection method: clinical testing. Allele origin: germline.

NM_003105.6(SORL1):c.3228C>T (p.Asn1076=)

Genes: SORL1 (sortilin related receptor 1; plus strand), LOC130006953 (ATAC-STARR-seq lymphoblastoid active region 5661; plus strand). Cytogenetic location: 11q24.1.
Variant type: single nucleotide variant.
Coding change: c.3228C>T on transcript NM_003105.6 (MANE Select); coding-DNA position 3228, C replaced by T.
Protein change: p.Asn1076=; no amino-acid change (asparagine 1076 retained).
Molecular consequence: synonymous variant.
Genome position (GRCh38, 1-based): chr11:121,570,161, C>T. VCF-style: chr11-121570161-C-T. GRCh37 (hg19) VCF-style: chr11-121440870-C-T.
Other names: c.3228C>T (NM_003105.5).
Identifiers: ClinVar variation 3691256 (VCV003691256.3).